The following is an entry in ClinVar:

ClinVar aggregate classification (germline): Pathogenic (1 of 4 stars; one submission).

Conditions:
Diamond-Blackfan anemia 12 (DBA12). Also called: RPL15-Related Diamond-Blackfan Anemia. Identifiers: Orphanet 124, MedGen C3809888, MONDO:0014245, OMIM 615550.

Submission:

MGZ Medical Genetics Center
Classification: Pathogenic for Diamond-Blackfan anemia 12. Last evaluated: 2021-08-30. Review status: criteria provided, single submitter. Criteria: ACMG Guidelines, 2015. Collection method: clinical testing. Allele origin: germline. Affected: yes. Observed: 1 variant allele.
Comment: ACMG criteria applied: PVS1, PS2, PM2_SUP, PP4

NM_002948.5(RPL15):c.130del (p.Arg44fs)

Genes: NKIRAS1 (NFKB inhibitor interacting Ras like 1; minus strand), RPL15 (ribosomal protein L15; plus strand). Cytogenetic location: 3p24.2.
Variant type: Deletion.
Coding change: c.130del on transcript NM_002948.5 (MANE Select); coding-DNA position 130, one base deleted (C; older notation c.130delC).
Protein change: p.Arg44fs; shifts the reading frame from arginine 44.
Molecular consequence: frameshift variant. On other transcripts: intron variant (1).
Genome position (GRCh38, 1-based): chr3:23,917,989, C deleted; the last of 3 consecutive C bases (chr3:23,917,987-23,917,989); deleting any one gives the same sequence. VCF-style (leftmost placement, unchanged base first): chr3-23917986-AC-A. GRCh37 (hg19) VCF-style: chr3-23959477-AC-A.
Other names: c.130del, p.Arg44fs (NM_001253379.2, NM_001253380.2, NM_001253382.2 and 2 more transcripts); c.-139-6537del (NM_001377380.1); short protein forms R44fs.
Identifiers: ClinVar variation 1709989 (VCV001709989.1), dbSNP rs2471215139, ClinGen allele CA2580069196.